The following is an entry in ClinVar:

NM_000532.5(PCCB):c.1591T>G (p.Trp531Gly)

Gene: PCCB (propionyl-CoA carboxylase subunit beta; plus strand). Cytogenetic location: 3q22.3.
Variant type: single nucleotide variant.
Coding change: c.1591T>G on transcript NM_000532.5 (MANE Select); coding-DNA position 1591, T replaced by G.
Protein change: p.Trp531Gly; replaces tryptophan 531 with glycine.
Molecular consequence: missense variant.
Genome position (GRCh38, 1-based): chr3:136,329,997, T>G. VCF-style: chr3-136329997-T-G. GRCh37 (hg19) VCF-style: chr3-136048839-T-G.
Other names: c.1651T>G, p.Trp551Gly (NM_001178014.2); short protein forms W531G, W551G.
Identifiers: ClinVar variation 1388920 (VCV001388920.8), dbSNP rs1284814283, ClinGen allele CA354650266.
Genomic context (GRCh38, chr3:136,329,997, plus strand): 5'-ACACGTGCCCGAATCTGCTGTGACCTGGATGTCTTGGCCAGCAAGAAGGTACAACGTCCT[T>G]GGAGAAAACATGCAAATATTCCATTGTAAACAAATCAAAGGAAAAGAAACCAAGAACTGA-3'
Protein context (NP_000523.2, residues 521-539): VLASKKVQRP[Trp531Gly]RKHANIPL

ClinVar aggregate classification (germline): Uncertain significance (1 of 4 stars; one submission).

Conditions:
Propionic acidemia (PROP). Also called: GLYCINEMIA, KETOTIC; HYPERGLYCINEMIA WITH KETOACIDOSIS AND LEUKOPENIA; KETOTIC HYPERGLYCINEMIA. Identifiers: Orphanet 35, MedGen C0268579, MONDO:0011628, OMIM 606054, HP:0003571.

gnomAD v4.1: 3 of 1,614,122 alleles (0.00019%); highest among the groups gnomAD compares: Non-Finnish European, 0.00025%; no homozygotes.

Submission:

Labcorp Genetics (formerly Invitae), Labcorp
Classification: Uncertain significance for Propionic acidemia. Last evaluated: 2026-01-04. Review status: criteria provided, single submitter. Criteria: Invitae Variant Classification Sherloc (09022015). Collection method: clinical testing. Allele origin: germline.
Comment: This sequence change replaces tryptophan, which is neutral and slightly polar, with glycine, which is neutral and non-polar, at codon 531 of the PCCB protein (p.Trp531Gly). This variant is not present in population databases (gnomAD no frequency). This variant has not been reported in the literature in individuals affected with PCCB-related conditions. ClinVar contains an entry for this variant (Variation ID: 1388920). Invitae Evidence Modeling of protein sequence and biophysical properties (such as structural, functional, and spatial information, amino acid conservation, physicochemical variation, residue mobility, and thermodynamic stability) has been performed for this missense variant. However, the output from this modeling did not meet the statistical confidence thresholds required to predict the impact of this variant on PCCB protein function. In summary, the available evidence is currently insufficient to determine the role of this variant in disease. Therefore, it has been classified as a Variant of Uncertain Significance.